The following is an entry in ClinVar:

ClinVar aggregate classification (germline): Likely benign. Review status: criteria provided, multiple submitters, no conflicts (2 of 4 stars). 2 submissions from 2 submitters: Likely benign (2). Last evaluated 2026-04-01.

Allele frequency attached by ClinVar (database versions not stated): 1000 Genomes Project 0.00040; 1000 Genomes Project 30x 0.00047.
gnomAD v4.1: 78 of 1,614,062 alleles (0.0048%); highest among the groups gnomAD compares: Middle Eastern, 0.016%; no homozygotes.

Submissions (2):

CeGaT Center for Human Genetics Tuebingen
Classification: Likely benign. Last evaluated: 2026-04-01. Review status: criteria provided, single submitter. Criteria: CeGaT Center For Human Genetics Tuebingen Variant Classification Criteria Version 2. Collection method: clinical testing. Allele origin: germline. Affected: yes. Observed: 2 variant alleles.
Comment: IRF4: BP4, BP7

Labcorp Genetics (formerly Invitae), Labcorp
Classification: Likely benign. Last evaluated: 2024-07-17. Review status: criteria provided, single submitter. Criteria: Invitae Variant Classification Sherloc (09022015). Collection method: clinical testing. Allele origin: germline.

NM_002460.4(IRF4):c.849C>T (p.Asp283=)

Gene: IRF4 (interferon regulatory factor 4; plus strand). Cytogenetic location: 6p25.3.
Variant type: single nucleotide variant.
Coding change: c.849C>T on transcript NM_002460.4 (MANE Select); coding-DNA position 849, C replaced by T.
Protein change: p.Asp283=; no amino-acid change (aspartic acid 283 retained).
Molecular consequence: synonymous variant. On other transcripts: non-coding transcript variant (1).
Genome position (GRCh38, 1-based): chr6:401,527, C>T. VCF-style: chr6-401527-C-T. GRCh37 (hg19) VCF-style: chr6-401527-C-T.
Other names: c.846C>T, p.Asp282= (NM_001195286.2).
Identifiers: ClinVar variation 2163243 (VCV002163243.6), dbSNP rs114916515, ClinGen allele CA3612834.